The following is an entry in ClinVar:

NM_153603.4(COG7):c.1183G>A (p.Val395Met)

Gene: COG7 (component of oligomeric golgi complex 7; minus strand). Cytogenetic location: 16p12.2.
Variant type: single nucleotide variant.
Coding change: c.1183G>A on transcript NM_153603.4 (MANE Select); coding-DNA position 1183, G replaced by A.
Protein change: p.Val395Met; replaces valine 395 with methionine.
Molecular consequence: missense variant.
Genome position (GRCh38, 1-based): chr16:23,417,076, C>T on the plus strand (G>A on the coding strand, the complement: COG7 is on the minus strand). VCF-style: chr16-23417076-C-T. GRCh37 (hg19) VCF-style: chr16-23428397-C-T.
Other names: short protein forms V395M.
Identifiers: ClinVar variation 318476 (VCV000318476.8), dbSNP rs369307885, ClinGen allele CA7961053.

ClinVar aggregate classification (germline): Uncertain significance. Review status: criteria provided, multiple submitters, no conflicts (2 of 4 stars). 3 submissions from 3 submitters: Uncertain significance (3). Last evaluated 2022-11-09.

Conditions:
COG7 congenital disorder of glycosylation (CDG2E). Also called: CONGENITAL DISORDER OF GLYCOSYLATION, TYPE IIe; CDG IIe. Identifiers: Orphanet 79333, MedGen C2931010, MONDO:0012118, OMIM 608779.
Inborn genetic diseases. Identifiers: MedGen C0950123, MeSH D030342.

Allele frequency attached by ClinVar (database versions not stated): gnomAD 0.00001; ExAC 0.00003; TOPMed 0.00003; ESP Exome Variant Server 0.00015.
gnomAD v4.1: 52 of 1,614,104 alleles (0.0032%); highest among the groups gnomAD compares: African/African-American, 0.0053%; no homozygotes.

Submissions (3):

Ambry Genetics
Classification: Uncertain significance for Inborn genetic diseases. Last evaluated: 2022-11-09. Review status: criteria provided, single submitter. Criteria: Ambry Variant Classification Scheme 2023. Collection method: clinical testing. Allele origin: germline.

Labcorp Genetics (formerly Invitae), Labcorp
Classification: Uncertain significance for COG7 congenital disorder of glycosylation. Last evaluated: 2022-07-26. Review status: criteria provided, single submitter. Criteria: Invitae Variant Classification Sherloc (09022015). Collection method: clinical testing. Allele origin: germline.
Comment: This sequence change replaces valine, which is neutral and non-polar, with methionine, which is neutral and non-polar, at codon 395 of the COG7 protein (p.Val395Met). This variant is present in population databases (rs369307885, gnomAD 0.007%). This variant has not been reported in the literature in individuals affected with COG7-related conditions. ClinVar contains an entry for this variant (Variation ID: 318476). Algorithms developed to predict the effect of missense changes on protein structure and function are either unavailable or do not agree on the potential impact of this missense change (SIFT: "Deleterious"; PolyPhen-2: "Possibly Damaging"; Align-GVGD: "Class C0"). In summary, the available evidence is currently insufficient to determine the role of this variant in disease. Therefore, it has been classified as a Variant of Uncertain Significance.

Illumina Laboratory Services, Illumina
Classification: Uncertain significance for COG7 congenital disorder of glycosylation. Last evaluated: 2018-01-12. Review status: criteria provided, single submitter. Criteria: ICSL Variant Classification Criteria 13 December 2019. Collection method: clinical testing. Allele origin: germline.